The following is an entry in ClinVar:

NM_152383.5(DIS3L2):c.1844C>G (p.Thr615Arg)

Gene: DIS3L2 (DIS3 like 3'-5' exoribonuclease 2; plus strand). Cytogenetic location: 2q37.1.
Variant type: single nucleotide variant.
Coding change: c.1844C>G on transcript NM_152383.5 (MANE Select); coding-DNA position 1844, C replaced by G.
Protein change: p.Thr615Arg; replaces threonine 615 with arginine.
Molecular consequence: missense variant. On other transcripts: non-coding transcript variant (2), intron variant (1).
Genome position (GRCh38, 1-based): chr2:232,329,917, C>G. VCF-style: chr2-232329917-C-G. GRCh37 (hg19) VCF-style: chr2-233194627-C-G.
Other names: c.1582-13428C>G (NM_001257281.2); short protein forms T615R.
Identifiers: ClinVar variation 845201 (VCV000845201.9), dbSNP rs1196083231, ClinGen allele CA350976135.
Genomic context (GRCh38, chr2:232,329,917, plus strand): 5'-ACAAGATCCACCGCGCCTTCCCCGAGCAGGCCCTGCTGCGCCGGCACCCCCCGCCCCAAA[C>G]AAGGATGCTCAGTGACCTGGTGGAATTCTGCGACCAGATGGGGCTGCCCGTGGACTTCAG-3'
Protein context (NP_689596.4, residues 605-625): ALLRRHPPPQ[Thr615Arg]RMLSDLVEFC

ClinVar aggregate classification (germline): Uncertain significance (1 of 4 stars; one submission).

Conditions:
Perlman syndrome (PRLMNS). Identifiers: Orphanet 2849, MedGen C0796113, MONDO:0009965, OMIM 267000.

Allele frequency attached by ClinVar (database versions not stated): gnomAD exomes below 0.00001 and 0.00001.
gnomAD v4.1: 2 of 1,613,074 alleles (0.00012%); highest among the groups gnomAD compares: Admixed American, 0.0033%; no homozygotes.

Submission:

Labcorp Genetics (formerly Invitae), Labcorp
Classification: Uncertain significance for Perlman syndrome. Last evaluated: 2021-12-18. Review status: criteria provided, single submitter. Criteria: Invitae Variant Classification Sherloc (09022015). Collection method: clinical testing. Allele origin: germline.
Comment: In summary, the available evidence is currently insufficient to determine the role of this variant in disease. Therefore, it has been classified as a Variant of Uncertain Significance. RNA analysis performed to evaluate the impact of this missense change on mRNA splicing indicates it does not significantly alter splicing (Invitae). Algorithms developed to predict the effect of missense changes on protein structure and function (SIFT, PolyPhen-2, Align-GVGD) all suggest that this variant is likely to be tolerated. ClinVar contains an entry for this variant (Variation ID: 845201). This variant has not been reported in the literature in individuals affected with DIS3L2-related conditions. This variant is present in population databases (no rsID available, gnomAD 0.006%). This sequence change replaces threonine, which is neutral and polar, with arginine, which is basic and polar, at codon 615 of the DIS3L2 protein (p.Thr615Arg).